The following is an entry in ClinVar:

ClinVar aggregate classification (germline): Conflicting classifications of pathogenicity. Review status: criteria provided, conflicting classifications (1 of 4 stars). 2 submissions from 2 submitters: Uncertain significance (1); Likely benign (1). Last evaluated 2024-05-23.

Allele frequency attached by ClinVar (database versions not stated): gnomAD exomes 0.00002 and 0.00004; ExAC 0.00004; gnomAD 0.00016 and 0.00021; ESP Exome Variant Server 0.00023; TOPMed 0.00024.
gnomAD v4.1: 58 of 1,598,590 alleles (0.0036%); highest among the groups gnomAD compares: African/African-American, 0.055%; no homozygotes.

Submissions (2):

Labcorp Genetics (formerly Invitae), Labcorp
Classification: Likely benign. Last evaluated: 2024-05-23. Review status: criteria provided, single submitter. Criteria: Invitae Variant Classification Sherloc (09022015). Collection method: clinical testing. Allele origin: germline.

GeneDx
Classification: Uncertain significance. Last evaluated: 2022-12-05. Review status: criteria provided, single submitter. Criteria: GeneDx Variant Classification Process June 2021. Collection method: clinical testing. Allele origin: germline. Affected: yes.
Comment: In silico analysis supports a deleterious effect on splicing; Has not been previously published as pathogenic or benign to our knowledge

NM_052867.4(NALCN):c.3058-11A>G

Gene: NALCN (sodium leak channel, non-selective; minus strand). Cytogenetic location: 13q33.1.
Variant type: single nucleotide variant.
Coding change: c.3058-11A>G on transcript NM_052867.4 (MANE Select); 11 bases into the intron before coding-DNA position 3058, A replaced by G.
Molecular consequence: intron variant.
Genome position (GRCh38, 1-based): chr13:101,100,899, T>C on the plus strand (A>G on the coding strand, the complement: NALCN is on the minus strand). VCF-style: chr13-101100899-T-C. GRCh37 (hg19) VCF-style: chr13-101753250-T-C.
Other names: c.2971-11A>G (NM_001350751.2, NM_001350750.2); c.3058-11A>G (NM_001350749.2); c.3145-11A>G (NM_001350748.2).
Identifiers: ClinVar variation 1186870 (VCV001186870.6), dbSNP rs201506269, ClinGen allele CA7035499.
Genomic context (GRCh38, chr13:101,100,899, plus strand): 5'-ACTCCAAAGCTTGCAAAAACGAGCATTAATGTCAGCAAAAGAATGGAGACCTGAAAGAAA[T>C]TGATGAAATGTTAAATCTCTTGTTAAAGACTAAATATTAGGTTTGGTTTAAACAGTGACA-3'